The following is an entry in ClinVar:

ClinVar aggregate classification (germline): Uncertain significance (1 of 4 stars; one submission).

Conditions:
Rhabdoid tumor predisposition syndrome 2 (RTPS2). Identifiers: Orphanet 231108, Orphanet 69077, MedGen C2750074, MONDO:0013224, OMIM 613325.

Submission:

Labcorp Genetics (formerly Invitae), Labcorp
Classification: Uncertain significance for Rhabdoid tumor predisposition syndrome 2. Last evaluated: 2024-08-15. Review status: criteria provided, single submitter. Criteria: Invitae Variant Classification Sherloc (09022015). Collection method: clinical testing. Allele origin: germline.
Comment: This sequence change replaces lysine, which is basic and polar, with asparagine, which is neutral and polar, at codon 1540 of the SMARCA4 protein (p.Lys1540Asn). This variant is not present in population databases (gnomAD no frequency). This variant has not been reported in the literature in individuals affected with SMARCA4-related conditions. ClinVar contains an entry for this variant (Variation ID: 2131070). Invitae Evidence Modeling of protein sequence and biophysical properties (such as structural, functional, and spatial information, amino acid conservation, physicochemical variation, residue mobility, and thermodynamic stability) indicates that this missense variant is not expected to disrupt SMARCA4 protein function with a negative predictive value of 95%. In summary, the available evidence is currently insufficient to determine the role of this variant in disease. Therefore, it has been classified as a Variant of Uncertain Significance.

NM_003072.5(SMARCA4):c.4524G>C (p.Lys1508Asn)

Gene: SMARCA4 (SWI/SNF related BAF chromatin remodeling complex subunit ATPase 4; plus strand). Cytogenetic location: 19p13.2.
Variant type: single nucleotide variant.
Coding change: c.4524G>C on transcript NM_003072.5 (MANE Select); coding-DNA position 4524, G replaced by C.
Protein change: p.Lys1508Asn; replaces lysine 1508 with asparagine.
Molecular consequence: missense variant. On other transcripts: non-coding transcript variant (1).
Genome position (GRCh38, 1-based): chr19:11,058,354, G>C. VCF-style: chr19-11058354-G-C. GRCh37 (hg19) VCF-style: chr19-11169030-G-C.
Other names: c.4524G>C, p.Lys1508Asn (NM_001128844.3); c.4434G>C, p.Lys1478Asn (NM_001128845.2); c.4431G>C, p.Lys1477Asn (NM_001128846.2); c.4425G>C, p.Lys1475Asn (NM_001128847.4, NM_001374457.1); c.4422G>C, p.Lys1474Asn (NM_001128848.2); c.4620G>C, p.Lys1540Asn (NM_001128849.3, NM_001387283.1); c.4521G>C, p.Lys1507Asn (NM_001411150.1); short protein forms K1474N, K1475N, K1507N, K1508N, K1477N, K1478N, K1540N.
Identifiers: ClinVar variation 2131070 (VCV002131070.4), dbSNP rs1176688272, ClinGen allele CA404077977.